The following is an entry in ClinVar:

Conditions:
Severe myoclonic epilepsy in infancy (DRVT). Also called: Epileptic encephalopathy, early infantile, 6 (Dravet syndrome); Dravet syndrome; SEVERE MYOCLONIC EPILEPSY OF INFANCY; DEVELOPMENTAL AND EPILEPTIC ENCEPHALOPATHY 6A; Severe Myoclonic Epilepsy in Infancy (SMEI). Identifiers: Orphanet 33069, MedGen C0751122, MONDO:0100135, OMIM 607208.

Submission:

Channelopathy-Associated Epilepsy Research Center
No classification provided (evidence only). Condition: Severe myoclonic epilepsy in infancy. Review status: no classification provided. Collection method: literature only. Allele origin: not applicable. Functional consequence: Normal peak current, Normal fast inactivation, Severe increase in persistent current, Severe depolarizing shift of voltage dependence of fast inactivation, Acceleration of recovery from fast inactivation, Normal rate of slow inactivation, Decrease of decay in current amplitude in use dependence, Overall gain-of-function effect with respect to biophysical channel activity.
ClinVar note: "not provided" was previously submitted as the classification for the variant. However, the classification appeared to be based only on an observation of functional data so it was converted to no classification on 2025-07-30.

Literature cited by the submitters: PubMed 29986598.

NM_001165963.4(SCN1A):c.5354T>G (p.Ile1785Ser)

Genes: SCN1A (sodium voltage-gated channel alpha subunit 1; minus strand), LOC102724058 (uncharacterized LOC102724058; plus strand). Cytogenetic location: 2q24.3.
Variant type: single nucleotide variant.
Coding change: c.5354T>G on transcript NM_001165963.4 (MANE Select); coding-DNA position 5354, T replaced by G.
Protein change: p.Ile1785Ser; replaces isoleucine 1785 with serine.
Molecular consequence: missense variant. On other transcripts: non-coding transcript variant (1).
Genome position (GRCh38, 1-based): chr2:165,991,921, A>C on the plus strand (T>G on the coding strand, the complement: SCN1A is on the minus strand). VCF-style: chr2-165991921-A-C. GRCh37 (hg19) VCF-style: chr2-166848431-A-C.
Other names: c.5270T>G, p.Ile1757Ser (NM_001165964.3, NM_001353957.2, NM_001353958.2); c.5354T>G, p.Ile1785Ser (NM_001202435.3, NM_001353948.2); c.5321T>G, p.Ile1774Ser (NM_001353949.2, NM_001353950.2, NM_001353951.2 and 2 more transcripts); c.5318T>G, p.Ile1773Ser (NM_001353954.2, NM_001353955.2); c.5267T>G, p.Ile1756Ser (NM_001353960.2); c.2912T>G, p.Ile971Ser (NM_001353961.2); short protein forms I1756S, I1757S, I1773S, I1774S, I1785S, I971S.
Identifiers: ClinVar variation 3067151 (VCV003067151.2), dbSNP rs2105428907, ClinGen allele CA349068023.